The following is an entry in ClinVar:

ClinVar aggregate classification (germline): Uncertain significance (1 of 4 stars; one submission).

Submission:

Women's Health and Genetics/Laboratory Corporation of America, LabCorp
Classification: Uncertain significance. Last evaluated: 2025-06-23. Review status: criteria provided, single submitter. Criteria: LabCorp Variant Classification Summary - May 2015. Collection method: clinical testing. Allele origin: germline.
Comment: Variant summary: LIPN c.1047_1048dupCC (p.Gln350ProfsX43) results in a premature termination codon, predicted to cause a truncation of the encoded protein or absence of the protein due to nonsense mediated decay, however current evidence is not sufficient to establish loss of function as a mechanism for disease. The variant allele was found at a frequency of 4e-06 in 248794 control chromosomes. The available data on variant occurrences in the general population are insufficient to allow any conclusion about variant significance. To our knowledge, no occurrence of c.1047_1048dupCC in individuals affected with Lamellar Ichthyosis and no experimental evidence demonstrating its impact on protein function have been reported. No submitters have cited clinical-significance assessments for this variant to ClinVar. Based on the evidence outlined above, the variant was classified as uncertain significance.

NM_001102469.2(LIPN):c.1047_1048dup (p.Gln350fs)

Gene: LIPN (lipase family member N; plus strand). Cytogenetic location: 10q23.31.
Variant type: Duplication.
Coding change: c.1047_1048dup on transcript NM_001102469.2 (MANE Select); coding-DNA positions 1047 to 1048, 2 bases duplicated (CC; older notation c.1047_1048dupCC).
Protein change: p.Gln350fs; shifts the reading frame from glutamine 350.
Molecular consequence: frameshift variant.
Genome position (GRCh38, 1-based): chr10:88,778,092-88,778,093, CC duplicated; duplicating any 2 consecutive bases within chr10:88,778,090-88,778,093 gives the same sequence; the c. name uses the placement nearest the transcript's 3' end. VCF-style (leftmost placement, unchanged base first): chr10-88778089-A-ACC. GRCh37 (hg19) VCF-style: chr10-90537846-A-ACC.
Other names: c.1047_1048dupCC (NM_001102469.2); short protein forms Q350fs.
Identifiers: ClinVar variation 3907586 (VCV003907586.1).
Genomic context (GRCh38, chr10:88,778,089, plus strand): 5'-CCTGACTGCCATGAAAGTGCCTACTGCTATTTGGGCTGGTGGACATGATGTCCTCGTAAC[A>ACC]CCCCAGGATGTGGCCAGGATACTCCCTCAAATCAAGAGTCTTCATTACTTTAAGCTATTG-3'